The following is an entry in ClinVar:

ClinVar aggregate classification (germline): Uncertain significance. Review status: criteria provided, multiple submitters, no conflicts (2 of 4 stars). 6 submissions from 6 submitters: Uncertain significance (5). 1 of the submissions does not count toward it. Last evaluated 2025-09-15.

Conditions:
Galactosylceramide beta-galactosidase deficiency. Also called: GALACTOCEREBROSIDASE DEFICIENCY; GALC DEFICIENCY; GLOBOID CELL LEUKOENCEPHALOPATHY; Leukodystrophy, Globoid Cell; Krabbe Disease. Identifiers: Orphanet 487, MedGen C0023521, MONDO:0009499, OMIM 245200.

Allele frequency attached by ClinVar (database versions not stated): ESP Exome Variant Server 0.00025; gnomAD 0.00009 and 0.00010; TOPMed 0.00013; ExAC 0.00019.

Submissions (9):

Labcorp Genetics (formerly Invitae), Labcorp
Classification: Uncertain significance for Galactosylceramide beta-galactosidase deficiency. Last evaluated: 2025-09-15. Review status: criteria provided, single submitter. Criteria: Invitae Variant Classification Sherloc (09022015). Collection method: clinical testing. Allele origin: germline.
Comment: This sequence change replaces threonine, which is neutral and polar, with serine, which is neutral and polar, at codon 348 of the GALC protein (p.Thr348Ser). This variant is present in population databases (rs200516260, gnomAD 0.2%). This variant has not been reported in the literature in individuals affected with GALC-related conditions. ClinVar contains an entry for this variant (Variation ID: 990191). Invitae Evidence Modeling of protein sequence and biophysical properties (such as structural, functional, and spatial information, amino acid conservation, physicochemical variation, residue mobility, and thermodynamic stability) indicates that this missense variant is expected to disrupt GALC protein function with a positive predictive value of 80%. In summary, the available evidence is currently insufficient to determine the role of this variant in disease. Therefore, it has been classified as a Variant of Uncertain Significance.

Blueprint Genetics
Classification: Uncertain significance. Last evaluated: 2024-11-15. Review status: criteria provided, single submitter. Criteria: ACMG Guidelines, 2015. Collection method: clinical testing. Allele origin: germline.

GeneDx
Classification: Uncertain significance. Last evaluated: 2023-06-28. Review status: criteria provided, single submitter. Criteria: GeneDx Variant Classification Process June 2021. Collection method: clinical testing. Allele origin: germline. Affected: yes.
Comment: In silico analysis supports that this missense variant has a deleterious effect on protein structure/function; Has not been previously published as pathogenic or benign to our knowledge; This variant is associated with the following publications: (PMID: 29930244)

Mayo Clinic Laboratories, Mayo Clinic
Classification: Uncertain significance. Last evaluated: 2023-01-04. Review status: criteria provided, single submitter. Criteria: ACMG Guidelines, 2015. Collection method: clinical testing. Allele origin: germline. Observed: 1 variant allele.

Fulgent Genetics
Classification: Uncertain significance for Galactosylceramide beta-galactosidase deficiency. Last evaluated: 2021-07-16. Review status: criteria provided, single submitter. Criteria: ACMG Guidelines, 2015. Collection method: clinical testing. Allele origin: unknown.

Natera, Inc.
Classification: Uncertain significance for Galactosylceramide beta-galactosidase deficiency. Last evaluated: 2020-04-18. Review status: no assertion criteria provided. Collection method: clinical testing. Allele origin: germline. Not counted in ClinVar's aggregate classification.

Dr. Peter K. Rogan Lab, Western University
No classification provided (evidence only). Condition: Sarcoma. Review status: no classification provided. Collection method: in vitro. Allele origin: not applicable. Functional consequence: retained intron. Not counted in ClinVar's aggregate classification.

Dr. Peter K. Rogan Lab, Western University
No classification provided (evidence only). Condition: Ovarian serous cystadenocarcinoma. Review status: no classification provided. Collection method: in vitro. Allele origin: not applicable. Functional consequence: retained intron. Not counted in ClinVar's aggregate classification.

Dr. Peter K. Rogan Lab, Western University
No classification provided (evidence only). Condition: Gastric cancer. Review status: no classification provided. Collection method: in vitro. Allele origin: not applicable. Functional consequence: retained intron. Not counted in ClinVar's aggregate classification.

NM_000153.4(GALC):c.1042A>T (p.Thr348Ser)

Gene: GALC (galactosylceramidase; minus strand). Cytogenetic location: 14q31.3.
Variant type: single nucleotide variant.
Coding change: c.1042A>T on transcript NM_000153.4 (MANE Select); coding-DNA position 1042, A replaced by T.
Protein change: p.Thr348Ser; replaces threonine 348 with serine.
Molecular consequence: missense variant.
Genome position (GRCh38, 1-based): chr14:87,963,503, T>A on the plus strand (A>T on the coding strand, the complement: GALC is on the minus strand). VCF-style: chr14-87963503-T-A. GRCh37 (hg19) VCF-style: chr14-88429847-T-A.
Other names: p.Thr348Ser; c.973A>T, p.Thr325Ser (NM_001201401.2); c.964A>T, p.Thr322Ser (NM_001201402.2); c.1042A>T (NM_000153.3); short protein forms T322S, T325S, T348S.
Identifiers: ClinVar variation 990191 (VCV000990191.10), dbSNP rs200516260, ClinGen allele CA7297164.
Genomic context (GRCh38, chr14:87,963,503, plus strand): 5'-CTCCTTTCTCTAAATGGCCAACTGTCTTCAGGTAATACCAGCCAGGTTGAGTAAACTGAG[T>A]GGTATGAGCTATAGAAAAACAGAAAGTTCCAAATAAGACAAAAATGGTAATAATAGTATT-3'
Protein context (NP_000144.2, residues 338-358): ESPVWVSAHT[Thr348Ser]QFTQPGWYYL